The following is an entry in ClinVar:

ClinVar aggregate classification (germline): Uncertain significance. Review status: criteria provided, multiple submitters, no conflicts (2 of 4 stars). 4 submissions from 4 submitters: Uncertain significance (4). Last evaluated 2022-02-08.

Conditions:
Neuronal ceroid lipofuscinosis 13 (CLN13). Also called: CLN13 Disease; CEROID LIPOFUSCINOSIS, NEURONAL, 13 (KUFS TYPE). Identifiers: Orphanet 352709, Orphanet 79262, MedGen C3715049, MONDO:0014147, OMIM 615362.
Inborn genetic diseases. Identifiers: MedGen C0950123, MeSH D030342.

Allele frequency attached by ClinVar (database versions not stated): ExAC 0.00002; gnomAD exomes 0.00003; TOPMed 0.00003; gnomAD 0.00005.
gnomAD v4.1: 48 of 1,610,444 alleles (0.003%); highest among the groups gnomAD compares: Middle Eastern, 0.016%; no homozygotes.

Submissions (4):

Labcorp Genetics (formerly Invitae), Labcorp
Classification: Uncertain significance for Neuronal ceroid lipofuscinosis 13. Last evaluated: 2022-02-08. Review status: criteria provided, single submitter. Criteria: Invitae Variant Classification Sherloc (09022015). Collection method: clinical testing. Allele origin: germline.
Comment: This variant has not been reported in the literature in individuals affected with CTSF-related conditions. In summary, the available evidence is currently insufficient to determine the role of this variant in disease. Therefore, it has been classified as a Variant of Uncertain Significance. Algorithms developed to predict the effect of missense changes on protein structure and function are either unavailable or do not agree on the potential impact of this missense change (SIFT: "Deleterious"; PolyPhen-2: "Probably Damaging"; Align-GVGD: "Class C0"). ClinVar contains an entry for this variant (Variation ID: 1186790). This variant is present in population databases (rs779164010, gnomAD 0.01%). This sequence change replaces arginine, which is basic and polar, with cysteine, which is neutral and slightly polar, at codon 413 of the CTSF protein (p.Arg413Cys).

Ambry Genetics
Classification: Uncertain significance for Inborn genetic diseases. Last evaluated: 2020-11-18. Review status: criteria provided, single submitter. Criteria: Ambry Variant Classification Scheme 2023. Collection method: clinical testing. Allele origin: germline.
Comment: The c.1237C>T (p.R413C) alteration is located in exon 11 (coding exon 11) of the CTSF gene. This alteration results from a C to T substitution at nucleotide position 1237, causing the arginine (R) at amino acid position 413 to be replaced by a cysteine (C). Based on data from the Genome Aggregation Database (gnomAD) database, the CTSF c.1237C>T alteration was observed in 0.003% (9/274902) of total alleles studied, with a frequency of 0.01% (4/34688) in the Latino subpopulation. This amino acid position is well conserved in available vertebrate species. The p.R413C alteration is predicted to be tolerated by in silico analysis. Based on insufficient or conflicting evidence, the clinical significance of this alteration remains unclear.

GeneDx
Classification: Uncertain significance. Last evaluated: 2020-02-20. Review status: criteria provided, single submitter. Criteria: GeneDx Variant Classification Process June 2021. Collection method: clinical testing. Allele origin: germline. Affected: yes.
Comment: Not observed at a significant frequency in large population cohorts (Lek et al., 2016); In silico analysis supports that this missense variant has a deleterious effect on protein structure/function; Has not been previously published as pathogenic or benign to our knowledge

Breakthrough Genomics
Classification: Uncertain significance. Review status: criteria provided, single submitter. Criteria: ACMG Guidelines, 2015. Collection method: not provided. Allele origin: germline. Inheritance: Autosomal recessive inheritance. Affected: yes.

NM_003793.4(CTSF):c.1237C>T (p.Arg413Cys)

Gene: CTSF (cathepsin F; minus strand). Cytogenetic location: 11q13.2.
Variant type: single nucleotide variant.
Coding change: c.1237C>T on transcript NM_003793.4 (MANE Select); coding-DNA position 1237, C replaced by T.
Protein change: p.Arg413Cys; replaces arginine 413 with cysteine.
Molecular consequence: missense variant.
Genome position (GRCh38, 1-based): chr11:66,564,642, G>A on the plus strand (C>T on the coding strand, the complement: CTSF is on the minus strand). VCF-style: chr11-66564642-G-A. GRCh37 (hg19) VCF-style: chr11-66332113-G-A.
Other names: short protein forms R413C.
Identifiers: ClinVar variation 1186790 (VCV001186790.9), dbSNP rs779164010, ClinGen allele CA6125262.